The following is an entry in ClinVar:

ClinVar aggregate classification (germline): Conflicting classifications of pathogenicity. Review status: criteria provided, conflicting classifications (1 of 4 stars). 11 submissions from 11 submitters: Uncertain significance (7); Likely benign (4). Last evaluated 2026-01-16.

Conditions:
Hereditary cancer. Identifiers: MedGen C1333600.
Hereditary cancer-predisposing syndrome. Also called: Neoplastic Syndromes, Hereditary; Hereditary Cancer Syndrome; Tumor predisposition; Hereditary neoplastic syndrome. Identifiers: Orphanet 140162, MedGen C0027672, MeSH D009386, MONDO:0015356.
Fanconi anemia complementation group J. Also called: BRIP1-Related Fanconi Anemia. Identifiers: Orphanet 84, MedGen C1836860, MONDO:0012187, OMIM 609054.
Familial cancer of breast. Also called: BREAST CANCER, FAMILIAL; Hereditary breast cancer; hereditary breast carcinoma. Identifiers: Orphanet 227535, MedGen C0346153, MONDO:0016419, OMIM 114480. Disease mechanism: loss of function.

Allele frequency attached by ClinVar (database versions not stated): TOPMed 0.00010.
gnomAD v4.1: 15 of 1,613,276 alleles (0.00093%); highest among the groups gnomAD compares: Admixed American, 0.015%; no homozygotes.

Submissions (11):

Labcorp Genetics (formerly Invitae), Labcorp
Classification: Likely benign for Familial cancer of breast; Fanconi anemia complementation group J. Last evaluated: 2026-01-16. Review status: criteria provided, single submitter. Criteria: Invitae Variant Classification Sherloc (09022015). Collection method: clinical testing. Allele origin: germline.

Color Diagnostics, LLC DBA Color Health
Classification: Uncertain significance for Hereditary cancer-predisposing syndrome. Last evaluated: 2025-11-19. Review status: criteria provided, single submitter. Criteria: ACMG Guidelines, 2015. Collection method: clinical testing. Allele origin: germline.
Comment: This missense variant replaces tryptophan with cysteine at codon 1217 of the BRIP1 protein. Computational prediction suggests that this variant may not impact protein structure and function. To our knowledge, functional studies have not been reported for this variant. This variant has been reported in individuals affected with breast cancer (PMID: 26976419, 33606809, 35264596). This variant has been identified in 15/1613276 chromosomes in the general population by the Genome Aggregation Database (gnomAD). The available evidence is insufficient to determine the role of this variant in disease conclusively. Therefore, this variant is classified as a Variant of Uncertain Significance.

Ambry Genetics
Classification: Likely benign for Hereditary cancer-predisposing syndrome. Last evaluated: 2025-09-08. Review status: criteria provided, single submitter. Criteria: Ambry Variant Classification Scheme 2023. Collection method: clinical testing. Allele origin: germline.

Center for Genomic Medicine, Rigshospitalet, Copenhagen University Hospital
Classification: Uncertain significance. Last evaluated: 2025-03-04. Review status: criteria provided, single submitter. Criteria: ACMG Guidelines, 2015. Collection method: clinical testing. Allele origin: germline.

GeneDx
Classification: Uncertain significance. Last evaluated: 2024-04-05. Review status: criteria provided, single submitter. Criteria: GeneDx Variant Classification Process June 2021. Collection method: clinical testing. Allele origin: germline. Affected: yes.
Comment: Not observed at significant frequency in large population cohorts (gnomAD); In silico analysis indicates that this missense variant does not alter protein structure/function; This variant is associated with the following publications: (PMID: 36451132, 35264596, 28640387, 26976419, 29625052, 33606809, 35980532, 35534704)

Baylor Genetics
Classification: Uncertain significance for Familial cancer of breast. Last evaluated: 2024-03-29. Review status: criteria provided, single submitter. Criteria: ACMG Guidelines, 2015. Collection method: clinical testing. Allele origin: unknown.

Mendelics
Classification: Likely benign for Hereditary cancer. Last evaluated: 2024-01-23. Review status: criteria provided, single submitter. Criteria: ACMG Guidelines, 2015. Collection method: clinical testing. Allele origin: unknown.

Molecular Diagnostics Laboratory, Barretos Cancer Hospital
Classification: Likely benign for Familial cancer of breast. Last evaluated: 2022-03-28. Review status: criteria provided, single submitter. Criteria: ACMG Guidelines, 2015. Collection method: clinical testing. Allele origin: germline. Inheritance: Autosomal dominant inheritance. Affected: yes. Observed: 1 heterozygote.
Comment: ACMG criteria: PM2, PS4_MODERADO, BP4, BP2. *Co-occurrence of pathogenic variant (c.2808_2811del) in BRCA2 gene.

Quest Diagnostics Nichols Institute San Juan Capistrano
Classification: Uncertain significance. Last evaluated: 2020-10-06. Review status: criteria provided, single submitter. Criteria: Quest Diagnostics criteria. Collection method: clinical testing. Allele origin: unknown.

Fulgent Genetics
Classification: Uncertain significance for Familial cancer of breast; Fanconi anemia complementation group J. Last evaluated: 2018-10-31. Review status: criteria provided, single submitter. Criteria: ACMG Guidelines, 2015. Collection method: clinical testing. Allele origin: unknown.

PreventionGenetics, part of Exact Sciences
Classification: Uncertain significance. Last evaluated: 2016-11-02. Review status: criteria provided, single submitter. Criteria: ACMG Guidelines, 2015. Collection method: clinical testing. Allele origin: germline.

Literature cited by the submitters: PubMed 26976419 (cited by 3 submitters); PubMed 33606809 (cited by Color Diagnostics, LLC DBA Color Health and Ambry Genetics); PubMed 35264596 (cited by Color Diagnostics, LLC DBA Color Health and Ambry Genetics); PubMed 28640387 (cited by Ambry Genetics).

NM_032043.3(BRIP1):c.3651G>T (p.Trp1217Cys)

Gene: BRIP1 (BRCA1 interacting DNA helicase 1; minus strand). Cytogenetic location: 17q23.2.
Variant type: single nucleotide variant.
Coding change: c.3651G>T on transcript NM_032043.3 (MANE Select); coding-DNA position 3651, G replaced by T.
Protein change: p.Trp1217Cys; replaces tryptophan 1217 with cysteine.
Molecular consequence: missense variant.
Genome position (GRCh38, 1-based): chr17:61,683,395, C>A on the plus strand (G>T on the coding strand, the complement: BRIP1 is on the minus strand). VCF-style: chr17-61683395-C-A. GRCh37 (hg19) VCF-style: chr17-59760756-C-A.
Other names: short protein forms W1217C.
Identifiers: ClinVar variation 141402 (VCV000141402.42), dbSNP rs542698396, ClinGen allele CA165328.